The following is an entry in ClinVar:

NM_000318.3(PEX2):c.410A>G (p.Gln137Arg)

Gene: PEX2 (peroxisomal biogenesis factor 2; minus strand). Cytogenetic location: 8q21.13.
Variant type: single nucleotide variant.
Coding change: c.410A>G on transcript NM_000318.3 (MANE Select); coding-DNA position 410, A replaced by G.
Protein change: p.Gln137Arg; replaces glutamine 137 with arginine.
Molecular consequence: missense variant.
Genome position (GRCh38, 1-based): chr8:76,983,769, T>C on the plus strand (A>G on the coding strand, the complement: PEX2 is on the minus strand). VCF-style: chr8-76983769-T-C. GRCh37 (hg19) VCF-style: chr8-77896005-T-C.
Other names: c.410A>G, p.Gln137Arg (NM_001079867.2, NM_001172086.2, NM_001172087.2); short protein forms Q137R.
Identifiers: ClinVar variation 1715846 (VCV001715846.3), dbSNP rs2487452302, ClinGen allele CA371557402.

ClinVar aggregate classification (germline): Uncertain significance (1 of 4 stars; one submission).

Conditions:
Peroxisome biogenesis disorder 5A (Zellweger) (PBD5A). Identifiers: Orphanet 912, MedGen C3553940, MONDO:0013932, OMIM 614866.

Submission:

Labcorp Genetics (formerly Invitae), Labcorp
Classification: Uncertain significance for Peroxisome biogenesis disorder 5A (Zellweger). Last evaluated: 2022-08-20. Review status: criteria provided, single submitter. Criteria: Invitae Variant Classification Sherloc (09022015). Collection method: clinical testing. Allele origin: germline.
Comment: This sequence change replaces glutamine, which is neutral and polar, with arginine, which is basic and polar, at codon 137 of the PEX2 protein (p.Gln137Arg). This variant is not present in population databases (gnomAD no frequency). This variant has not been reported in the literature in individuals affected with PEX2-related conditions. Algorithms developed to predict the effect of missense changes on protein structure and function (SIFT, PolyPhen-2, Align-GVGD) all suggest that this variant is likely to be tolerated. In summary, the available evidence is currently insufficient to determine the role of this variant in disease. Therefore, it has been classified as a Variant of Uncertain Significance.